The following is an entry in ClinVar:

NM_001122955.4(BSCL2):c.461C>T (p.Ser154Leu)

Genes: BSCL2 (BSCL2 lipid droplet biogenesis associated, seipin; minus strand), HNRNPUL2-BSCL2 (HNRNPUL2-BSCL2 readthrough (NMD candidate); minus strand). Cytogenetic location: 11q12.3.
Variant type: single nucleotide variant.
Coding change: c.461C>T on transcript NM_001122955.4 (MANE Select); coding-DNA position 461, C replaced by T.
Protein change: p.Ser154Leu; replaces serine 154 with leucine.
Molecular consequence: missense variant. On other transcripts: non-coding transcript variant (1).
Genome position (GRCh38, 1-based): chr11:62,702,493, G>A on the plus strand (C>T on the coding strand, the complement: BSCL2 is on the minus strand). VCF-style: chr11-62702493-G-A. GRCh37 (hg19) VCF-style: chr11-62469965-G-A.
Other names: c.269C>T, p.Ser90Leu (NM_001130702.2, NM_032667.6); c.461C>T, p.Ser154Leu (NM_001386027.1, NM_001386028.1); short protein forms S90L, S154L.
Identifiers: ClinVar variation 4544 (VCV000004544.46), dbSNP rs137852973, ClinGen allele CA116912.

ClinVar aggregate classification (germline): Pathogenic/Likely pathogenic. Review status: criteria provided, multiple submitters, no conflicts (2 of 4 stars). 17 submissions from 16 submitters: Pathogenic (8); Likely pathogenic (1). 8 of the submissions do not count toward it. Last evaluated 2025-12-27.

Conditions:
BSCL2-related disorder. Also called: BSCL2-related condition; BSCL2-Related Disorders.
Abnormal central motor function. Identifiers: MedGen C4023354, HP:0011442.
Neuronopathy, distal hereditary motor, type 5C. Also called: DHMN VC; NEURONOPATHY, DISTAL HEREDITARY MOTOR, HARDING TYPE VC; NEUROPATHY, DISTAL HEREDITARY MOTOR, HARDING TYPE VC; SPINAL MUSCULAR ATROPHY, DISTAL, HARDING TYPE VC; NEURONOPATHY, DISTAL HEREDITARY MOTOR, AUTOSOMAL DOMINANT 13. Identifiers: MedGen C5436838, MONDO:0030860, OMIM 619112.
Berardinelli-Seip congenital lipodystrophy. Identifiers: Orphanet 528, MedGen CN262437, MONDO:0018883.
Charcot-Marie-Tooth disease type 2. Also called: Charcot-Marie-Tooth type 2. Identifiers: Orphanet 64746, MedGen C0270914, MONDO:0018993.
Neuronopathy, distal hereditary motor, type 5A (HMND5). Also called: DHMN VA; Distal Spinal Muscular Atrophy V; Distal Spinal Muscular Atrophy V (dSMA-V); NEURONOPATHY, DISTAL HEREDITARY MOTOR, AUTOSOMAL DOMINANT 5. Identifiers: Orphanet 139536, MedGen CN031873, MONDO:0015353, OMIM 600794.
Hereditary spastic paraplegia 17. Also called: Spastic Paraplegia 17; Autosomal dominant spastic paraplegia type 17; Silver Syndrome; SPASTIC PARAPLEGIA WITH AMYOTROPHY OF HANDS AND FEET; Silver spastic paraplegia syndrome. Identifiers: Orphanet 100998, MedGen C2931276, MONDO:0010043, OMIM 270685.

Allele frequency attached by ClinVar (database versions not stated): TOPMed below 0.00001; gnomAD 0.00001.
gnomAD v4.1: 1 of 1,612,826 alleles (0.000062%); highest among the groups gnomAD compares: East Asian, 0.0022%; no homozygotes.

Submissions 1 to 10 of 17:

Dasa
Classification: Pathogenic. Last evaluated: 2025-12-27. Review status: criteria provided, single submitter. Criteria: DASA Assertion Criteria. Collection method: clinical testing. Allele origin: germline.
Comment: NM_001122955.4(BSCL2):c.461C>T (p.Ser154Leu) is a missense variant that results in the substitution of serine with leucine. The affected residue or protein region has prior evidence supporting clinical relevance. Segregation evidence has been reported in affected families. Functional evidence supports a deleterious effect on the gene or gene product (PMID: 25832430; PMID: 21957196; PMID: 20806400; PMID: 17486577; PMID: 14981520). This variant has been recurrently observed in individuals with related phenotype (PMID: 25832430; PMID: 21957196; PMID: 20806400; PMID: 17486577; PMID: 14981520). Multiple computational predictions support a deleterious effect on the gene or gene product. The variant is present at low frequency in population datasets. Based on the available data, this variant is classified as pathogenic.

3billion
Classification: Pathogenic for Hereditary spastic paraplegia 17. Last evaluated: 2025-11-11. Review status: criteria provided, single submitter. Criteria: ACMG Guidelines, 2015. Collection method: clinical testing. Allele origin: germline. Affected: yes.
Comment: The variant is observed at an extremely low frequency in the gnomAD v4.1.0 dataset (total allele frequency: <0.001%). Predicted Consequence/Location: Missense variant. The majority of the known disease-causing variants of this gene are variants expected to result in premature termination of the protein. In silico tool predictions suggest damaging effect of the variant on gene or gene product [REVEL: 0.81 (>=0.6, sensitivity 0.68 and specificity 0.92); 3Cnet: 0.85 (> 0.75, sensitivity 0.96 and precision 0.92)]. The same nucleotide change resulting in the same amino acid change has been previously reported as pathogenic/likely pathogenic with strong evidence (ClinVar ID: VCV000004544 /PMID: 14981520 /3billion dataset). The variant has been reported to co-segregate with the disease in at least 7 similarly affected relatives/individuals in at least two unrelated families (PMID: 24604904). Different missense changes at the same codon (p.Ser154Ala, p.Ser154Trp) have been reported as pathogenic/likely pathogenic with strong evidence (ClinVar ID: VCV000476810, VCV000643607 /PMID: 23142943 /3billion dataset). Therefore, this variant is classified as Pathogenic according to the recommendation of ACMG/AMP guideline.

Labcorp Genetics (formerly Invitae), Labcorp
Classification: Pathogenic for Charcot-Marie-Tooth disease type 2. Last evaluated: 2025-11-05. Review status: criteria provided, single submitter. Criteria: Invitae Variant Classification Sherloc (09022015). Collection method: clinical testing. Allele origin: germline.
Comment: This sequence change replaces serine, which is neutral and polar, with leucine, which is neutral and non-polar, at codon 90 of the BSCL2 protein (p.Ser90Leu). This variant is not present in population databases (gnomAD no frequency). This missense change has been observed in individual(s) with BSCL2-related neuropathy, including Silver syndrome, distal hereditary motor neuropathy V, and Charcot-Marie-Tooth disease 2 (PMID: 14981520, 17486577, 24604904, 25487175, 26815532). In at least one individual the variant was observed to be de novo. It has also been observed to segregate with disease in related individuals. ClinVar contains an entry for this variant (Variation ID: 4544). Invitae Evidence Modeling of protein sequence and biophysical properties (such as structural, functional, and spatial information, amino acid conservation, physicochemical variation, residue mobility, and thermodynamic stability) indicates that this missense variant is expected to disrupt BSCL2 protein function with a positive predictive value of 80%. Experimental studies have shown that this missense change affects BSCL2 function (PMID: 14981520, 17387721, 21957196, 26815532). For these reasons, this variant has been classified as Pathogenic.

Women's Health and Genetics/Laboratory Corporation of America, LabCorp
Classification: Pathogenic for BSCL2-Related Disorders. Last evaluated: 2024-08-21. Review status: criteria provided, single submitter. Criteria: LabCorp Variant Classification Summary - May 2015. Collection method: clinical testing. Allele origin: germline.
Comment: Variant summary: BSCL2 c.269C>T (p.Ser90Leu) results in a non-conservative amino acid change in the encoded protein sequence. Five of five in-silico tools predict a damaging effect of the variant on protein function. The variant was absent in 251342 control chromosomes. c.269C>T has been reported at a heterozygous state in the literature in multiple individuals affected with inherited neuropathy, either arising de novo (Felice_2021), or segregating with disease in a large faimily with inherited neuropathy (Klein_2014). These data indicate that the variant is very likely to be associated with disease. To our knowledge, no experimental evidence demonstrating an impact on protein function has been reported. The following publications have been ascertained in the context of this evaluation (PMID: 34232518, 24604904). ClinVar contains an entry for this variant (Variation ID: 4544). Based on the evidence outlined above, the variant was classified as pathogenic.

Blueprint Genetics
Classification: Pathogenic for BSCL2-related disorders. Last evaluated: 2023-12-06. Review status: criteria provided, single submitter. Criteria: ACMG Guidelines, 2015. Collection method: clinical testing. Allele origin: germline. Affected: yes. Observed: 2 variant alleles.

Mayo Clinic Laboratories, Mayo Clinic
Classification: Pathogenic. Last evaluated: 2023-02-02. Review status: criteria provided, single submitter. Criteria: ACMG Guidelines, 2015. Collection method: clinical testing. Allele origin: germline. Observed: 3 variant alleles.
Comment: PP1_strong, PP3, PM1, PM2, PM6, PS4_very_strong

GeneDx
Classification: Pathogenic. Last evaluated: 2021-07-26. Review status: criteria provided, single submitter. Criteria: GeneDx Variant Classification Process June 2021. Collection method: clinical testing. Allele origin: germline. Affected: yes.
Comment: Published functional studies indicate that S90L inhibits protein glycosylation (Windpassinger et al., 2004) which results in a misfolding of seipin in the endoplasmic reticulum leading to cell death through ER stress (Ito and Suzuki, 2007); Not observed at significant frequency in large population cohorts (gnomAD); This variant is associated with the following publications: (PMID: 21957196, 18325928, 27549087, 28668300, 14981520, 20806400, 17387721, 26815532, 26989944, 27862672, 28362824, 27027447, 31211173, 31372974, 30835347, 32489946, 34504732, 18790819, 11479539, 25487175, 17486577, 27738760, 24604904, 33726816)

Kariminejad - Najmabadi Pathology & Genetics Center
Classification: Likely pathogenic for Abnormal central motor function. Last evaluated: 2021-07-10. Review status: criteria provided, single submitter. Criteria: ACMG Guidelines, 2015. Collection method: clinical testing. Allele origin: de novo. Affected: yes.

Athena Diagnostics
Classification: Pathogenic. Last evaluated: 2020-08-04. Review status: criteria provided, single submitter. Criteria: Athena Diagnostics Criteria. Collection method: clinical testing. Allele origin: unknown.
Comment: Not found in the total gnomAD dataset, and the data is high quality. Found in at least one patient with expected phenotype for this gene. Predicted to have a damaging effect on the protein. Assessment of experimental evidence regarding the effect of this variant on protein function is inconclusive. Strong co-segregation with disease, and data include affected and unaffected individuals from multiple families. One de novo case with parental identity confirmed plus 2 unconfirmed cases.

Department of Rehabilitation Medicine, Incheon St. Mary’s Hospital, College of Medicine, The Catholic University of Korea
Classification: Pathogenic for Neuronopathy, distal hereditary motor, type 5A; Hereditary spastic paraplegia 17. Last evaluated: 2019-02-11. Review status: no assertion criteria provided. Collection method: research. Allele origin: unknown. Inheritance: Autosomal dominant inheritance. Affected: yes. Observed: 1 heterozygote. Not counted in ClinVar's aggregate classification.